The following is an entry in ClinVar:

ClinVar aggregate classification (germline): Uncertain significance (1 of 4 stars; one submission).

Conditions:
Hereditary cancer-predisposing syndrome. Also called: Neoplastic Syndromes, Hereditary; Tumor predisposition; Hereditary Cancer Syndrome; Hereditary neoplastic syndrome. Identifiers: Orphanet 140162, MedGen C0027672, MeSH D009386, MONDO:0015356.

Submission:

Ambry Genetics
Classification: Uncertain significance for Hereditary cancer-predisposing syndrome. Last evaluated: 2024-09-30. Review status: criteria provided, single submitter. Criteria: Ambry Variant Classification Scheme 2023. Collection method: clinical testing. Allele origin: germline.
Comment: The p.S819T variant (also known as c.2456G>C), located in coding exon 14 of the RET gene, results from a G to C substitution at nucleotide position 2456. The serine at codon 819 is replaced by threonine, an amino acid with similar properties. This amino acid position is conserved. In addition, the in silico prediction for this alteration is inconclusive. Based on the available evidence, the clinical significance of this variant remains unclear.

NM_020975.6(RET):c.2456G>C (p.Ser819Thr)

Gene: RET (ret proto-oncogene; plus strand). Cytogenetic location: 10q11.21.
Variant type: single nucleotide variant.
Coding change: c.2456G>C on transcript NM_020975.6 (MANE Select); coding-DNA position 2456, G replaced by C.
Protein change: p.Ser819Thr; replaces serine 819 with threonine.
Molecular consequence: missense variant.
Genome position (GRCh38, 1-based): chr10:43,119,594, G>C. VCF-style: chr10-43119594-G-C. GRCh37 (hg19) VCF-style: chr10-43615042-G-C.
Other names: c.1694G>C, p.Ser565Thr (NM_001355216.2); c.2456G>C, p.Ser819Thr (NM_001406743.1, NM_001406744.1, NM_001406759.1 and 2 more transcripts); c.2327G>C, p.Ser776Thr (NM_001406761.1, NM_001406762.1, NM_001406764.1); c.2321G>C, p.Ser774Thr (NM_001406763.1, NM_001406765.1); c.2168G>C, p.Ser723Thr (NM_001406766.1, NM_001406767.1, NM_001406770.1); c.2192G>C, p.Ser731Thr (NM_001406768.1); c.2060G>C, p.Ser687Thr (NM_001406769.1, NM_001406772.1); c.2018G>C, p.Ser673Thr (NM_001406771.1, NM_001406773.1); and 10 more; short protein forms S424T, S477T, S480T, S644T, S687T, S776T, S336T, S565T.
Identifiers: ClinVar variation 3432273 (VCV003432273.1).
Genomic context (GRCh38, chr10:43,119,594, plus strand): 5'-CGCTCCTCCTCATCGTGGAGTACGCCAAATACGGCTCCCTGCGGGGCTTCCTCCGCGAGA[G>C]CCGCAAAGTGGGGCCTGGCTACCTGGGCAGTGGAGGCAGCCGCAACTCCAGCTCCCTGGA-3'
Protein context (NP_066124.1, residues 809-829): YGSLRGFLRE[Ser819Thr]RKVGPGYLGS